The following is an entry in ClinVar:

NM_017617.5(NOTCH1):c.2297G>T (p.Gly766Val)

Gene: NOTCH1 (notch receptor 1; minus strand). Cytogenetic location: 9q34.3.
Variant type: single nucleotide variant.
Coding change: c.2297G>T on transcript NM_017617.5 (MANE Select); coding-DNA position 2297, G replaced by T.
Protein change: p.Gly766Val; replaces glycine 766 with valine.
Molecular consequence: missense variant.
Genome position (GRCh38, 1-based): chr9:136,513,448, C>A on the plus strand (G>T on the coding strand, the complement: NOTCH1 is on the minus strand). VCF-style: chr9-136513448-C-A. GRCh37 (hg19) VCF-style: chr9-139407900-C-A.
Other names: c.2297G>T, p.Gly766Val (LRG_1122t1); short protein forms G766V.
Identifiers: ClinVar variation 626872 (VCV000626872.9), dbSNP rs374434131, ClinGen allele CA5341423.
Genomic context (GRCh38, chr9:136,513,448, plus strand): 5'-TCACCGCTGAAGCCCTCCCGGCAGGTGCACACGTAGCCACTGGTCATGTCTTTGCAGGTG[C>A]CGCCGTTGACACAAGGGTTGGATTCACACTCATTGTTGTTGATGTCACAGTTGGTCCCAC-3'
Protein context (NP_060087.3, residues 756-776): ECESNPCVNG[Gly766Val]TCKDMTSGYV

ClinVar aggregate classification (germline): Conflicting classifications of pathogenicity. Review status: criteria provided, conflicting classifications (1 of 4 stars). 5 submissions from 4 submitters: Uncertain significance (4); Likely benign (1). Last evaluated 2025-02-19.

Conditions:
Adams-Oliver syndrome 5 (AOS5). Identifiers: Orphanet 974, MedGen C4014970, MONDO:0014459, OMIM 616028.
Aortic valve disease 1 (AOVD1). Identifiers: MedGen C3887892, MONDO:0024523, OMIM 109730.
Familial thoracic aortic aneurysm and aortic dissection (TAAD). Also called: Thoracic aortic aneurysms and dissections. Identifiers: Orphanet 91387, MedGen C4707243, MONDO:0019625.

Allele frequency attached by ClinVar (database versions not stated): gnomAD 0.00002; gnomAD exomes 0.00002; TOPMed 0.00002; ExAC 0.00003; ESP Exome Variant Server 0.00008.
gnomAD v4.1: 10 of 1,613,040 alleles (0.00062%); highest among the groups gnomAD compares: Non-Finnish European, 0.000085%; no homozygotes.

Submissions (5):

Labcorp Genetics (formerly Invitae), Labcorp
Classification: Likely benign for Adams-Oliver syndrome 5. Last evaluated: 2025-02-19. Review status: criteria provided, single submitter. Criteria: Invitae Variant Classification Sherloc (09022015). Collection method: clinical testing. Allele origin: germline.

Ambry Genetics
Classification: Uncertain significance for Familial thoracic aortic aneurysm and aortic dissection. Last evaluated: 2024-09-14. Review status: criteria provided, single submitter. Criteria: Ambry Variant Classification Scheme 2023. Collection method: clinical testing. Allele origin: germline.
Comment: The p.G766V variant (also known as c.2297G>T), located in coding exon 14 of the NOTCH1 gene, results from a G to T substitution at nucleotide position 2297. The glycine at codon 766 is replaced by valine, an amino acid with dissimilar properties. This amino acid position is conserved. In addition, this alteration is predicted to be deleterious by in silico analysis. Based on the available evidence, the clinical significance of this variant remains unclear.

Genome-Nilou Lab
Classification: Uncertain significance for Adams-Oliver syndrome 5. Last evaluated: 2022-03-15. Review status: criteria provided, single submitter. Criteria: ACMG Guidelines, 2015. Collection method: clinical testing. Allele origin: germline. Affected: no.

Genome-Nilou Lab
Classification: Uncertain significance for Aortic valve disease 1. Last evaluated: 2022-03-15. Review status: criteria provided, single submitter. Criteria: ACMG Guidelines, 2015. Collection method: clinical testing. Allele origin: germline. Affected: no.

CHEO Genetics Diagnostic Laboratory, Children's Hospital of Eastern Ontario
Classification: Uncertain significance for Familial thoracic aortic aneurysm and aortic dissection. Last evaluated: 2016-12-16. Review status: criteria provided, single submitter. Criteria: ACMG Guidelines, 2015. Collection method: clinical testing. Allele origin: germline. Study: Canadian Open Genetics Repository.